The following is an entry in ClinVar:

NM_000760.4(CSF3R):c.1372G>C (p.Gly458Arg)

Gene: CSF3R (colony stimulating factor 3 receptor; minus strand). Cytogenetic location: 1p34.3.
Variant type: single nucleotide variant.
Coding change: c.1372G>C on transcript NM_000760.4 (MANE Select); coding-DNA position 1372, G replaced by C.
Protein change: p.Gly458Arg; replaces glycine 458 with arginine.
Molecular consequence: missense variant.
Genome position (GRCh38, 1-based): chr1:36,469,754, C>G on the plus strand (G>C on the coding strand, the complement: CSF3R is on the minus strand). VCF-style: chr1-36469754-C-G. GRCh37 (hg19) VCF-style: chr1-36935355-C-G.
Other names: c.1372G>C, p.Gly458Arg (NM_156039.3, NM_172313.3); short protein forms G458R.
Identifiers: ClinVar variation 1511788 (VCV001511788.6), dbSNP rs2124111042, ClinGen allele CA339419985.

ClinVar aggregate classification (germline): Uncertain significance (1 of 4 stars; one submission).

Conditions:
Autosomal recessive severe congenital neutropenia due to CSF3R deficiency. Also called: Neutropenia, severe congenital, 7, autosomal recessive. Identifiers: Orphanet 420702, MedGen C4310764, MONDO:0014865, OMIM 617014.

Submission:

Labcorp Genetics (formerly Invitae), Labcorp
Classification: Uncertain significance for Autosomal recessive severe congenital neutropenia due to CSF3R deficiency. Last evaluated: 2022-08-16. Review status: criteria provided, single submitter. Criteria: Invitae Variant Classification Sherloc (09022015). Collection method: clinical testing. Allele origin: germline.
Comment: In summary, the available evidence is currently insufficient to determine the role of this variant in disease. Therefore, it has been classified as a Variant of Uncertain Significance. Algorithms developed to predict the effect of sequence changes on RNA splicing suggest that this variant may create or strengthen a splice site. Algorithms developed to predict the effect of missense changes on protein structure and function are either unavailable or do not agree on the potential impact of this missense change (SIFT: "Deleterious"; PolyPhen-2: "Probably Damaging"; Align-GVGD: "Class C0"). ClinVar contains an entry for this variant (Variation ID: 1511788). This variant has not been reported in the literature in individuals affected with CSF3R-related conditions. This variant is not present in population databases (gnomAD no frequency). This sequence change replaces glycine, which is neutral and non-polar, with arginine, which is basic and polar, at codon 458 of the CSF3R protein (p.Gly458Arg).